The following is an entry in ClinVar:

ClinVar aggregate classification (germline): Benign (1 of 4 stars; one submission).

Allele frequency attached by ClinVar (database versions not stated): gnomAD 0.02089 and 0.01935; 1000 Genomes Project 30x 0.02124; TOPMed 0.02212; 1000 Genomes Project 0.01937.
gnomAD v4.1: 2,917 of 152,296 alleles (1.9%); highest among the groups gnomAD compares: African/African-American, 6.6%; 92 homozygotes.

Submission:

GeneDx
Classification: Benign. Last evaluated: 2018-06-14. Review status: criteria provided, single submitter. Criteria: GeneDx Variant Classification (06012015). Collection method: clinical testing. Allele origin: germline. Affected: yes.
Comment: This variant is considered likely benign or benign based on one or more of the following criteria: it is a conservative change, it occurs at a poorly conserved position in the protein, it is predicted to be benign by multiple in silico algorithms, and/or has population frequency not consistent with disease.

NM_002880.4(RAF1):c.680+242T>A

Gene: RAF1 (Raf-1 proto-oncogene, serine/threonine kinase; minus strand). Cytogenetic location: 3p25.2.
Variant type: single nucleotide variant.
Coding change: c.680+242T>A on transcript NM_002880.4 (MANE Select); 242 bases into the intron after coding-DNA position 680, T replaced by A.
Molecular consequence: intron variant.
Genome position (GRCh38, 1-based): chr3:12,605,959, A>T on the plus strand (T>A on the coding strand, the complement: RAF1 is on the minus strand). VCF-style: chr3-12605959-A-T. GRCh37 (hg19) VCF-style: chr3-12647458-A-T.
Other names: c.339-1670T>A (NM_001354695.3); c.437+242T>A (NM_001354692.3, NM_001354694.3, NM_001354691.3); c.582-1670T>A (NM_001354693.3); c.680+242T>A (NM_001354689.3, NM_001354690.3).
Identifiers: ClinVar variation 561609 (VCV000561609.1), dbSNP rs5746208, ClinGen allele CA69620703.